The following is an entry in ClinVar:

ClinVar aggregate classification (germline): Uncertain significance (1 of 4 stars; one submission).

Submission:

GeneDx
Classification: Uncertain significance. Last evaluated: 2025-05-05. Review status: criteria provided, single submitter. Criteria: GeneDx Variant Classification Process June 2021. Collection method: clinical testing. Allele origin: germline. Affected: yes.
Comment: Not observed at significant frequency in large population cohorts (gnomAD); In-frame deletion of 2 amino acids in a non-repeat region; In silico analysis suggests that this variant does not alter protein structure/function; Has not been previously published as pathogenic or benign to our knowledge

NM_000297.4(PKD2):c.1450_1455del (p.Ile484_Phe485del)

Gene: PKD2 (polycystin 2, transient receptor potential cation channel; plus strand). Cytogenetic location: 4q22.1.
Variant type: Deletion.
Coding change: c.1450_1455del on transcript NM_000297.4 (MANE Select); coding-DNA positions 1450 to 1455, 6 bases deleted (ATCTTT; older notation c.1450_1455delATCTTT).
Protein change: p.Ile484_Phe485del.
Molecular consequence: non-coding transcript variant (on NR_156488.2).
Genome position (GRCh38, 1-based): chr4:88,046,772-88,046,777, ATCTTT deleted; deleting any 6 consecutive bases within chr4:88,046,767-88,046,777 gives the same sequence; the c. name uses the placement nearest the transcript's 3' end. VCF-style (leftmost placement, unchanged base first): chr4-88046766-TTCTTTA-T. GRCh37 (hg19) VCF-style: chr4-88967918-TTCTTTA-T.
Other names: c.1225_1230del, p.Ile409_Phe410del (NM_001440544.1).
Identifiers: ClinVar variation 4527727 (VCV004527727.1).